The following is an entry in ClinVar:

ClinVar aggregate classification (germline): Likely benign. Review status: criteria provided, multiple submitters, no conflicts (2 of 4 stars). 3 submissions from 3 submitters: Likely benign (3). Last evaluated 2025-04-08.

Conditions:
TTLL5-related disorder. Also called: TTLL5-related condition.

Allele frequency attached by ClinVar (database versions not stated): TOPMed 0.00002; gnomAD exomes 0.00003; 1000 Genomes Project 30x 0.00016; 1000 Genomes Project 0.00020; ExAC 0.00002; gnomAD 0.00002.
gnomAD v4.1: 48 of 1,613,984 alleles (0.003%); highest among the groups gnomAD compares: Non-Finnish European, 0.0039%; no homozygotes.

Submissions (3):

PreventionGenetics, part of Exact Sciences
Classification: Likely benign for TTLL5-related condition. Last evaluated: 2025-04-08. Review status: criteria provided, single submitter. Criteria: ACMG Guidelines, 2015. Collection method: clinical testing. Allele origin: germline.
Comment: This variant is classified as likely benign based on ACMG/AMP sequence variant interpretation guidelines (Richards et al. 2015 PMID: 25741868, with internal and published modifications).

Labcorp Genetics (formerly Invitae), Labcorp
Classification: Likely benign. Last evaluated: 2024-10-26. Review status: criteria provided, single submitter. Criteria: Invitae Variant Classification Sherloc (09022015). Collection method: clinical testing. Allele origin: germline.

Blueprint Genetics
Classification: Likely benign. Last evaluated: 2022-08-30. Review status: criteria provided, single submitter. Criteria: ACMG Guidelines, 2015. Collection method: clinical testing. Allele origin: germline.

NM_015072.5(TTLL5):c.2097G>A (p.Thr699=)

Gene: TTLL5 (tubulin tyrosine ligase like 5; plus strand). Cytogenetic location: 14q24.3.
Variant type: single nucleotide variant.
Coding change: c.2097G>A on transcript NM_015072.5 (MANE Select); coding-DNA position 2097, G replaced by A.
Protein change: p.Thr699=; no amino-acid change (threonine 699 retained).
Molecular consequence: synonymous variant.
Genome position (GRCh38, 1-based): chr14:75,771,815, G>A. VCF-style: chr14-75771815-G-A. GRCh37 (hg19) VCF-style: chr14-76238158-G-A.
Other names: c.2097G>A (NM_015072.4).
Identifiers: ClinVar variation 2052884 (VCV002052884.6), dbSNP rs562792053, ClinGen allele CA7279596.